The following is an entry in ClinVar:

ClinVar aggregate classification (germline): Uncertain significance (1 of 4 stars; one submission).

Conditions:
Inborn genetic diseases. Identifiers: MedGen C0950123, MeSH D030342.

Submission:

Ambry Genetics
Classification: Uncertain significance for Inborn genetic diseases. Last evaluated: 2025-12-22. Review status: criteria provided, single submitter. Criteria: Ambry Variant Classification Scheme 2023. Collection method: clinical testing. Allele origin: germline.
Comment: The p.E802A variant (also known as c.2405A>C), located in coding exon 1 of the SAMD9 gene, results from an A to C substitution at nucleotide position 2405. The glutamic acid at codon 802 is replaced by alanine, an amino acid with dissimilar properties. This amino acid position is conserved. In addition, the in silico prediction for this alteration is inconclusive. Based on the available evidence, the clinical significance of this variant remains unclear.

NM_017654.4(SAMD9):c.2405A>C (p.Glu802Ala)

Gene: SAMD9 (sterile alpha motif domain containing 9; minus strand). Cytogenetic location: 7q21.2.
Variant type: single nucleotide variant.
Coding change: c.2405A>C on transcript NM_017654.4 (MANE Select); coding-DNA position 2405, A replaced by C.
Protein change: p.Glu802Ala; replaces glutamic acid 802 with alanine.
Molecular consequence: missense variant.
Genome position (GRCh38, 1-based): chr7:93,103,693, T>G on the plus strand (A>C on the coding strand, the complement: SAMD9 is on the minus strand). VCF-style: chr7-93103693-T-G. GRCh37 (hg19) VCF-style: chr7-92733006-T-G.
Other names: c.2405A>C, p.Glu802Ala (NM_001193307.2); short protein forms E802A.
Identifiers: ClinVar variation 4843122 (VCV004843122.1).
Genomic context (GRCh38, chr7:93,103,693, plus strand): 5'-TACTTTTTAGCTATAGCTGTTTGAATAGAGTACTGCAGAAGATAGACATTATCTTGTTCT[T>G]CAAAATCATCAACAAGGAGTAGTACAGGTACGTATTCCTGACGGTTCATTGCCCCATAGG-3'
Protein context (NP_060124.2, residues 792-812): VPVLLLVDDF[Glu802Ala]EQDNVYLLQY